The following is an entry in ClinVar:

NM_001363118.2(SLC52A2):c.1280C>T (p.Thr427Ile)

Gene: SLC52A2 (solute carrier family 52 member 2; plus strand). Cytogenetic location: 8q24.3.
Variant type: single nucleotide variant.
Coding change: c.1280C>T on transcript NM_001363118.2 (MANE Select); coding-DNA position 1280, C replaced by T.
Protein change: p.Thr427Ile; replaces threonine 427 with isoleucine.
Molecular consequence: missense variant. On other transcripts: non-coding transcript variant (1).
Genome position (GRCh38, 1-based): chr8:144,360,957, C>T. VCF-style: chr8-144360957-C-T. GRCh37 (hg19) VCF-style: chr8-145584617-C-T.
Other names: c.1280C>T, p.Thr427Ile (NM_001253815.2, NM_001253816.2, NM_001363120.2 and 2 more transcripts); c.788C>T, p.Thr263Ile (NM_001363122.2); short protein forms T427I, T263I.
Identifiers: ClinVar variation 567276 (VCV000567276.4), dbSNP rs782658897, ClinGen allele CA4938460.

ClinVar aggregate classification (germline): Uncertain significance (1 of 4 stars; one submission).

Conditions:
Brown-Vialetto-van Laere syndrome 2. Also called: Riboflavin transporter deficiency type 2; SPINOCEREBELLAR ATAXIA WITH BLINDNESS AND DEAFNESS 2. Identifiers: Orphanet 572543, Orphanet 97229, MedGen C3553538, MONDO:0013867, OMIM 614707.

Allele frequency attached by ClinVar (database versions not stated): ExAC 0.00002; gnomAD exomes 0.00001 and 0.00002.

Submission:

Labcorp Genetics (formerly Invitae), Labcorp
Classification: Uncertain significance for Brown-Vialetto-van Laere syndrome 2. Last evaluated: 2022-06-27. Review status: criteria provided, single submitter. Criteria: Invitae Variant Classification Sherloc (09022015). Collection method: clinical testing. Allele origin: germline.
Comment: In summary, the available evidence is currently insufficient to determine the role of this variant in disease. Therefore, it has been classified as a Variant of Uncertain Significance. Advanced modeling of protein sequence and biophysical properties (such as structural, functional, and spatial information, amino acid conservation, physicochemical variation, residue mobility, and thermodynamic stability) performed at Invitae indicates that this missense variant is not expected to disrupt SLC52A2 protein function. ClinVar contains an entry for this variant (Variation ID: 567276). This variant has not been reported in the literature in individuals affected with SLC52A2-related conditions. This variant is present in population databases (rs782658897, gnomAD 0.01%). This sequence change replaces threonine, which is neutral and polar, with isoleucine, which is neutral and non-polar, at codon 427 of the SLC52A2 protein (p.Thr427Ile).